The following is an entry in ClinVar:

ClinVar aggregate classification (germline): Conflicting classifications of pathogenicity. Review status: criteria provided, conflicting classifications (1 of 4 stars). 10 submissions from 10 submitters: Uncertain significance (6); Likely benign (3). 1 of the submissions does not count toward it. Last evaluated 2026-01-20.

Conditions:
Inborn genetic diseases. Identifiers: MedGen C0950123, MeSH D030342.
Donnai-Barrow syndrome. Also called: DBS/FOAR SYNDROME; FACIOOCULOACOUSTICORENAL SYNDROME. Identifiers: Orphanet 2143, MedGen C1857277, MONDO:0009104, OMIM 222448.
LRP2-related disorder. Also called: LRP2-related condition.

Allele frequency attached by ClinVar (database versions not stated): gnomAD exomes 0.00014; ExAC 0.00020; gnomAD 0.00060 and 0.00069; ESP Exome Variant Server 0.00062; TOPMed 0.00073; 1000 Genomes Project 0.00100; 1000 Genomes Project 30x 0.00109.
gnomAD v4.1: 177 of 1,614,058 alleles (0.011%); highest among the groups gnomAD compares: African/African-American, 0.2%; no homozygotes.

Submissions (10):

Labcorp Genetics (formerly Invitae), Labcorp
Classification: Likely benign. Last evaluated: 2026-01-20. Review status: criteria provided, single submitter. Criteria: Invitae Variant Classification Sherloc (09022015). Collection method: clinical testing. Allele origin: germline.

GeneDx
Classification: Uncertain significance. Last evaluated: 2024-10-30. Review status: criteria provided, single submitter. Criteria: GeneDx Variant Classification Process June 2021. Collection method: clinical testing. Allele origin: germline. Affected: yes.
Comment: In silico analysis supports that this missense variant has a deleterious effect on protein structure/function; Has not been previously published as pathogenic or benign to our knowledge

Blueprint Genetics
Classification: Likely benign. Last evaluated: 2024-10-10. Review status: criteria provided, single submitter. Criteria: ACMG Guidelines, 2015. Collection method: clinical testing. Allele origin: germline.

Ambry Genetics
Classification: Likely benign for Inborn genetic diseases. Last evaluated: 2024-08-01. Review status: criteria provided, single submitter. Criteria: Ambry Variant Classification Scheme 2023. Collection method: clinical testing. Allele origin: germline.

Fulgent Genetics
Classification: Uncertain significance for Donnai-Barrow syndrome. Last evaluated: 2024-04-30. Review status: criteria provided, single submitter. Criteria: ACMG Guidelines, 2015. Collection method: clinical testing. Allele origin: germline.

CeGaT Center for Human Genetics Tuebingen
Classification: Uncertain significance. Last evaluated: 2024-02-01. Review status: criteria provided, single submitter. Criteria: CeGaT Center For Human Genetics Tuebingen Variant Classification Criteria Version 2. Collection method: clinical testing. Allele origin: germline. Affected: yes. Observed: 1 variant allele.

Genome-Nilou Lab
Classification: Uncertain significance for Donnai-Barrow syndrome. Last evaluated: 2021-07-15. Review status: criteria provided, single submitter. Criteria: ACMG Guidelines, 2015. Collection method: clinical testing. Allele origin: germline. Affected: no.

Baylor Genetics
Classification: Uncertain significance for Donnai-Barrow syndrome. Last evaluated: 2018-07-31. Review status: criteria provided, single submitter. Criteria: ACMG Guidelines, 2015. Collection method: clinical testing. Allele origin: maternal. Affected: yes.
Comment: This variant was determined to be of uncertain significance according to ACMG Guidelines, 2015 [PMID:25741868].

Illumina Laboratory Services, Illumina
Classification: Uncertain significance for Donnai-Barrow syndrome. Last evaluated: 2017-04-27. Review status: criteria provided, single submitter. Criteria: ICSL Variant Classification Criteria 13 December 2019. Collection method: clinical testing. Allele origin: germline.

PreventionGenetics, part of Exact Sciences
Classification: Likely benign for LRP2-related condition. Last evaluated: 2024-01-05. Review status: no assertion criteria provided. Collection method: clinical testing. Allele origin: germline. Not counted in ClinVar's aggregate classification.
Comment: This variant is classified as likely benign based on ACMG/AMP sequence variant interpretation guidelines (Richards et al. 2015 PMID: 25741868, with internal and published modifications).

NM_004525.3(LRP2):c.6938C>T (p.Pro2313Leu)

Gene: LRP2 (LDL receptor related protein 2; minus strand). Cytogenetic location: 2q31.1.
Variant type: single nucleotide variant.
Coding change: c.6938C>T on transcript NM_004525.3 (MANE Select); coding-DNA position 6938, C replaced by T.
Protein change: p.Pro2313Leu; replaces proline 2313 with leucine.
Molecular consequence: missense variant.
Genome position (GRCh38, 1-based): chr2:169,206,782, G>A on the plus strand (C>T on the coding strand, the complement: LRP2 is on the minus strand). VCF-style: chr2-169206782-G-A. GRCh37 (hg19) VCF-style: chr2-170063292-G-A.
Other names: short protein forms P2313L.
Identifiers: ClinVar variation 893512 (VCV000893512.42), dbSNP rs73035708, ClinGen allele CA1954195.